The following is an entry in ClinVar:

NM_001267550.2(TTN):c.90656T>G (p.Val30219Gly)

Genes: TTN (titin; minus strand), TTN-AS1 (TTN antisense RNA 1; plus strand). Cytogenetic location: 2q31.2.
Variant type: single nucleotide variant.
Coding change: c.90656T>G on transcript NM_001267550.2 (MANE Select); coding-DNA position 90656, T replaced by G.
Protein change: p.Val30219Gly; replaces valine 30219 with glycine.
Molecular consequence: missense variant.
Genome position (GRCh38, 1-based): chr2:178,552,244, A>C on the plus strand (T>G on the coding strand, the complement: TTN is on the minus strand). VCF-style: chr2-178552244-A-C. GRCh37 (hg19) VCF-style: chr2-179416971-A-C.
Other names: c.85733T>G, p.Val28578Gly (NM_001256850.1); c.63461T>G, p.Val21154Gly (NM_003319.4); c.82952T>G, p.Val27651Gly (NM_133378.4); c.63836T>G, p.Val21279Gly (NM_133432.3); c.64037T>G, p.Val21346Gly (NM_133437.4); short protein forms V28578G, V21279G, V30219G, V27651G, V21154G, V21346G.
Identifiers: ClinVar variation 1752970 (VCV001752970.2), dbSNP rs1060500535, ClinGen allele CA349509547.

ClinVar aggregate classification (germline): Uncertain significance (1 of 4 stars; one submission).

Conditions:
Cardiovascular phenotype. Identifiers: MedGen CN230736.

Submission:

Ambry Genetics
Classification: Uncertain significance for Cardiovascular phenotype. Last evaluated: 2018-05-02. Review status: criteria provided, single submitter. Criteria: Ambry Variant Classification Scheme 2023. Collection method: clinical testing. Allele origin: germline.
Comment: The p.V21154G variant (also known as c.63461T>G), located in coding exon 162 of the TTN gene, results from a T to G substitution at nucleotide position 63461. The valine at codon 21154 is replaced by glycine, an amino acid with dissimilar properties. This amino acid position is poorly conserved in available vertebrate species. In addition, the in silico prediction for this alteration is inconclusive. Since supporting evidence is limited at this time, the clinical significance of this alteration remains unclear.